The following is an entry in ClinVar:

ClinVar aggregate classification (germline): Pathogenic/Likely pathogenic. Review status: criteria provided, multiple submitters, no conflicts (2 of 4 stars). 5 submissions from 5 submitters: Pathogenic (1); Likely pathogenic (2). 2 of the submissions do not count toward it. Last evaluated 2026-04-01.

Conditions:
Hereditary cancer-predisposing syndrome. Also called: Neoplastic Syndromes, Hereditary; Hereditary Cancer Syndrome; Tumor predisposition; Hereditary neoplastic syndrome. Identifiers: Orphanet 140162, MedGen C0027672, MeSH D009386, MONDO:0015356.
ATM-related cancer predisposition. Also called: ATM-related cancer susceptibility. Identifiers: MedGen CN377759, MONDO:0700270.

Submissions (5):

Dasa
Classification: Likely pathogenic for ATM-related cancer predisposition. Last evaluated: 2026-04-01. Review status: criteria provided, single submitter. Criteria: DASA Assertion Criteria. Collection method: clinical testing. Allele origin: germline.
Comment: NM_000051.4(ATM):c.4879C>T (p.Gln1627*) is a nonsense variant in ATM predicted to introduce a premature termination codon and is predicted to result in an absent or altered protein product. Loss of function is an established disease mechanism for ATM (PMID: 3574400; PMID: 27595995; PMID: 15928302). Also, this variant is rare in population databases. Based on the currently available evidence, this variant is classified as likely pathogenic.

Ambry Genetics
Classification: Pathogenic for Hereditary cancer-predisposing syndrome. Last evaluated: 2024-09-27. Review status: criteria provided, single submitter. Criteria: Ambry Variant Classification Scheme 2023. Collection method: clinical testing. Allele origin: germline.
Comment: The p.Q1627* pathogenic mutation (also known as c.4879C>T), located in coding exon 31 of the ATM gene, results from a C to T substitution at nucleotide position 4879. This changes the amino acid from a glutamine to a stop codon within coding exon 31. This alteration is expected to result in loss of function by premature protein truncation or nonsense-mediated mRNA decay. As such, this alteration is interpreted as a disease-causing mutation.

GeneDx
Classification: Likely pathogenic. Last evaluated: 2015-12-28. Review status: criteria provided, single submitter. Criteria: GeneDx Variant Classification (06012015). Collection method: clinical testing. Allele origin: germline. Affected: yes.
Comment: The Q1627X variant in the ATM gene has not been reported previously as a pathogenic variant nor as a benign variant, to our knowledge. This variant is predicted to cause loss of normal protein function either through protein truncation or nonsense-mediated mRNA decay. The Q1627X variant was not observed in approximately 6,500 individuals of European and African American ancestry in the NHLBI Exome Sequencing Project, indicating it is not a common benign variant in these populations. The Q1627X variant is a strong candidate for a pathogenic variant. However, the possibility it may be a rare benign variant cannot be excluded.

Diagnostic Laboratory, Department of Genetics, University Medical Center Groningen
Classification: Pathogenic. Review status: no assertion criteria provided. Collection method: clinical testing. Allele origin: germline. Affected: yes. Study: VKGL Data-share Consensus. Not counted in ClinVar's aggregate classification.

Joint Genome Diagnostic Labs from Nijmegen and Maastricht, Radboudumc and MUMC+
Classification: Pathogenic. Review status: no assertion criteria provided. Collection method: clinical testing. Allele origin: germline. Affected: yes. Study: VKGL Data-share Consensus. Not counted in ClinVar's aggregate classification.

Literature cited by the submitters: PubMed 39636577 (cited by Dasa); PubMed 3574400 (cited by Dasa); PubMed 27595995 (cited by Dasa); PubMed 15928302 (cited by Dasa).

NM_000051.4(ATM):c.4879C>T (p.Gln1627Ter)

Gene: ATM (ATM serine/threonine kinase; plus strand). Cytogenetic location: 11q22.3.
Variant type: single nucleotide variant.
Coding change: c.4879C>T on transcript NM_000051.4 (MANE Select); coding-DNA position 4879, C replaced by T.
Protein change: p.Gln1627Ter; replaces glutamine 1627 with a stop codon.
Molecular consequence: nonsense.
Genome position (GRCh38, 1-based): chr11:108,295,029, C>T. VCF-style: chr11-108295029-C-T. GRCh37 (hg19) VCF-style: chr11-108165756-C-T.
Other names: c.4879C>T, p.Gln1627Ter (NM_001351834.2); short protein forms Q1627*.
Identifiers: ClinVar variation 265513 (VCV000265513.12), dbSNP rs886039592, ClinGen allele CA10588503.